The following is an entry in ClinVar:

ClinVar aggregate classification (germline): Pathogenic. Review status: criteria provided, multiple submitters, no conflicts (2 of 4 stars). 5 submissions from 5 submitters: Pathogenic (3). 2 of the submissions do not count toward it. Last evaluated 2026-09-08.

Conditions:
Fabry disease. Also called: Fabry's disease; GLA DEFICIENCY; HEREDITARY DYSTOPIC LIPIDOSIS; Angiokeratoma corporis diffusum; ALPHA-GALACTOSIDASE A DEFICIENCY; ANDERSON-FABRY DISEASE. Identifiers: Orphanet 324, MedGen C0002986, MONDO:0010526, OMIM 301500, HP:0001071. Disease mechanism: Fabry disease is due to inactivating mutations in the X-linked GLA gene resulting in deficiency of the enzyme Alpha Galactosidase-A., loss of function.

Submissions (5):

Genomenon, Inc
Classification: Pathogenic for Fabry disease. Last evaluated: 2026-09-08. Review status: criteria provided, single submitter. Criteria: Genomenon Sequence Variant Interpretation Standards - Updated. Collection method: curation. Allele origin: germline. Affected: yes.
Comment: GLA p.Phe18Ser (c.53T>C) is a missense variant that changes the amino acid at codon 18 from Phenylalanine to Serine. This variant has been observed in at least one proband with clinical features consistent with Fabry disease (PMID:18023222;17206462;15458455;20189642). The variant was found to segregate with disease in at least one affected family (PMID:17206462). At least one functional study has demonstrated a substantial alteration in protein function relative to the wild-type (PMID:27657681). It is absent or not present at a significant frequency in gnomAD. In conclusion, we classify GLA p.Phe18Ser (c.53T>C) as a pathogenic variant.

Labcorp Genetics (formerly Invitae), Labcorp
Classification: Pathogenic for Fabry disease. Last evaluated: 2025-10-20. Review status: criteria provided, single submitter. Criteria: Invitae Variant Classification Sherloc (09022015). Collection method: clinical testing. Allele origin: germline.
Comment: This sequence change replaces phenylalanine, which is neutral and non-polar, with serine, which is neutral and polar, at codon 18 of the GLA protein (p.Phe18Ser). This variant is not present in population databases (gnomAD no frequency). This missense change has been observed in individual(s) with Fabry disease (PMID: 17206462, 18023222, 18424138, 27979989; internal data). ClinVar contains an entry for this variant (Variation ID: 1328027). An algorithm developed to predict the effect of missense changes on protein structure and function outputs the following: PolyPhen-2: "Benign". The serine amino acid residue is found in multiple mammalian species, which suggests that this missense change does not adversely affect protein function. Experimental studies have shown that this missense change affects GLA function (PMID: 27657681). For these reasons, this variant has been classified as Pathogenic.

GeneDx
Classification: Pathogenic. Last evaluated: 2025-08-12. Review status: criteria provided, single submitter. Criteria: GeneDx Variant Classification Process June 2021. Collection method: clinical testing. Allele origin: germline. Affected: yes.
Comment: Previously reported in a proband with Fabry disease; however additional clinical and biochemical details were not provided (PMID: 18023222); Published functional studies demonstrate F18S impairs alpha-galactosidase-A enzyme activity (PMID: 27657681); Not observed at significant frequency in large population cohorts (gnomAD); In silico analysis suggests that this missense variant does not alter protein structure/function; This variant is associated with the following publications: (PMID: 25382311, 18023222, 20189642, 27657681)

Clinical Genetics, Academic Medical Center
Classification: Pathogenic. Review status: no assertion criteria provided. Collection method: clinical testing. Allele origin: germline. Affected: yes. Study: VKGL Data-share Consensus. Not counted in ClinVar's aggregate classification.

Genome Diagnostics Laboratory, University Medical Center Utrecht
Classification: Pathogenic. Review status: no assertion criteria provided. Collection method: clinical testing. Allele origin: germline. Affected: yes. Study: VKGL Data-share Consensus. Not counted in ClinVar's aggregate classification.

Literature cited by the submitters: PubMed 18023222 (cited by Genomenon, Inc and Labcorp Genetics (formerly Invitae), Labcorp); PubMed 17206462 (cited by Genomenon, Inc and Labcorp Genetics (formerly Invitae), Labcorp); PubMed 15458455 (cited by Genomenon, Inc); PubMed 20189642 (cited by Genomenon, Inc); PubMed 27657681 (cited by Genomenon, Inc and Labcorp Genetics (formerly Invitae), Labcorp); PubMed 18424138 (cited by Labcorp Genetics (formerly Invitae), Labcorp); PubMed 27979989 (cited by Labcorp Genetics (formerly Invitae), Labcorp).

NM_000169.3(GLA):c.53T>C (p.Phe18Ser)

Genes: GLA (galactosidase alpha; minus strand), RPL36A-HNRNPH2 (RPL36A-HNRNPH2 readthrough; plus strand). Cytogenetic location: Xq22.1.
Variant type: single nucleotide variant.
Coding change: c.53T>C on transcript NM_000169.3 (MANE Select); coding-DNA position 53, T replaced by C.
Protein change: p.Phe18Ser; replaces phenylalanine 18 with serine.
Molecular consequence: missense variant. On other transcripts: non-coding transcript variant (3), intron variant (2).
Genome position (GRCh38, 1-based): chrX:101,407,851, A>G on the plus strand (T>C on the coding strand, the complement: GLA is on the minus strand). VCF-style: chrX-101407851-A-G. GRCh37 (hg19) VCF-style: chrX-100662839-A-G.
Other names: c.53T>C, p.Phe18Ser (NM_001406747.1, NM_001406748.1, NM_001406749.1); c.301-4085A>G (NM_001199973.2); c.178-4085A>G (NM_001199974.2); short protein forms F18S.
Identifiers: ClinVar variation 1328027 (VCV001328027.6), dbSNP rs2147487622, ClinGen allele CA413937712.
Genomic context (GRCh38, chrX:101,407,851, plus strand): 5'-CTTGCCAATCCATTGTCCAGTGCTCTAGCCCCAGGGATGTCCCAGGAAACGAGGGCCAGG[A>G]AGCGAAGCGCAAGCGCGCAGCCCAGATGTAGTTCTGGGTTCCTCAGCTGCATTGTCACGG-3'
Protein context (NP_000160.1, residues 8-28): LHLGCALALR[Phe18Ser]LALVSWDIPG